The following is an entry in ClinVar:

ClinVar aggregate classification (germline): Likely pathogenic. Review status: criteria provided, single submitter (1 of 4 stars). 2 submissions from 1 submitter: Likely pathogenic (2). Last evaluated 2020-12-14.

Conditions:
Microcephaly. Also called: Microcephaly (disease). Identifiers: MedGen C4551563, MONDO:0001149, HP:0000252.
Sandestig-stefanova syndrome. Identifiers: MedGen C5394118, MONDO:0032926, OMIM 618804.

Submissions (2):

Equipe Genetique des Anomalies du Developpement, Université de Bourgogne
Classification: Likely pathogenic for Sandestig-stefanova syndrome. Last evaluated: 2020-12-14. Review status: criteria provided, single submitter. Criteria: ACMG Guidelines, 2015. Collection method: clinical testing. Allele origin: paternal. Inheritance: Autosomal recessive inheritance. Affected: yes.
Comment: This variant was observed in compound heterozygosity with variant c.3515+1G>A

Equipe Genetique des Anomalies du Developpement, Université de Bourgogne
Classification: Likely pathogenic for Microcephaly. Review status: criteria provided, single submitter. Criteria: ACMG Guidelines, 2015. Collection method: clinical testing. Allele origin: paternal. Affected: yes.

Literature cited by the submitters: PubMed 32275884.

NM_015354.3(NUP188):c.1851_1852delinsG (p.Cys617fs)

Gene: NUP188 (nucleoporin 188; plus strand). Cytogenetic location: 9q34.11.
Variant type: Indel.
Coding change: c.1851_1852delinsG on transcript NM_015354.3 (MANE Select); coding-DNA positions 1851 to 1852, CT replaced by G.
Protein change: p.Cys617fs; shifts the reading frame from cysteine 617.
Molecular consequence: frameshift variant.
Genome position (GRCh38, 1-based): chr9:128,983,347-128,983,348, CT replaced by G. VCF-style: chr9-128983347-CT-G. GRCh37 (hg19) VCF-style: chr9-131745626-CT-G.
Other names: short protein forms C617fs.
Identifiers: ClinVar variation 1172617 (VCV001172617.2), dbSNP rs2131167421, ClinGen allele CA2499219672.